The following is an entry in ClinVar:

ClinVar aggregate classification (germline): Conflicting classifications of pathogenicity. Review status: criteria provided, conflicting classifications (1 of 4 stars). 13 submissions from 13 submitters: Uncertain significance (2); Likely benign (8). 3 of the submissions do not count toward it. Last evaluated 2026-05-12.

Conditions:
Breast and/or ovarian cancer. Identifiers: MedGen CN221562.
Hereditary cancer-predisposing syndrome. Also called: Neoplastic Syndromes, Hereditary; Hereditary neoplastic syndrome; Hereditary Cancer Syndrome; Tumor predisposition. Identifiers: Orphanet 140162, MedGen C0027672, MeSH D009386, MONDO:0015356.
Hereditary breast ovarian cancer syndrome. Also called: Hereditary breast and/or ovarian cancer syndrome; Hereditary breast and ovarian cancer syndrome (HBOC); Breast and ovarian cancer; Hereditary breast and ovarian cancer syndrome; Hereditary breast and ovarian cancer; BRCA1- and BRCA2-Associated Hereditary Breast and Ovarian Cancer. Identifiers: Orphanet 145, MedGen C0677776, MeSH D061325, MONDO:0003582. Disease mechanism: loss of function.
Breast-ovarian cancer, familial, susceptibility to, 2 (BROVCA2). Also called: BRCA2 Hereditary Breast and Ovarian Cancer. Identifiers: Orphanet 145, MedGen C2675520, MONDO:0012933, OMIM 612555. Disease mechanism: loss of function.

Allele frequency attached by ClinVar (database versions not stated): gnomAD 0.00001; TOPMed 0.00001.
gnomAD v4.1: 37 of 1,605,040 alleles (0.0023%); highest among the groups gnomAD compares: Non-Finnish European, 0.0031%; no homozygotes.

Submissions (13):

Women's Health and Genetics/Laboratory Corporation of America, LabCorp
Classification: Likely benign. Last evaluated: 2026-05-12. Review status: criteria provided, single submitter. Criteria: LabCorp Variant Classification Summary - May 2015. Collection method: clinical testing. Allele origin: germline.
Comment: Variant summary: BRCA2 c.5191C>A (p.His1731Asn) results in a conservative amino acid change in the encoded protein sequence. Algorithms developed to predict the effect of missense changes on protein structure and function all suggest that this variant is likely to be tolerated. The variant allele was found at a frequency of 2.3e-05 in 1605040 control chromosomes (gnomAD v4.1). c.5191C>A has been observed in individuals affected with breast or ovarian cancer without evidence of cosegregation with disease (e.g., Gourley_2010, Dorling_2021). These reports do not provide unequivocal conclusions about association of the variant with Hereditary Breast And Ovarian Cancer Syndrome. To our knowledge, no experimental evidence demonstrating an impact on protein function has been reported. The following publications have been ascertained in the context of this evaluation (PMID: 33471991, 20406939). ClinVar contains an entry for this variant (Variation ID: 51811). Based on the evidence outlined above, the variant was classified as likely benign.

Labcorp Genetics (formerly Invitae), Labcorp
Classification: Likely benign for Hereditary breast ovarian cancer syndrome. Last evaluated: 2026-01-26. Review status: criteria provided, single submitter. Criteria: Invitae Variant Classification Sherloc (09022015). Collection method: clinical testing. Allele origin: germline.

Molecular Pathology, Peter Maccallum Cancer Centre
Classification: Likely benign for Breast-ovarian cancer, familial, susceptibility to, 2. Last evaluated: 2025-04-07. Review status: criteria provided, single submitter. Criteria: ACMG Guidelines, 2015. Collection method: clinical testing. Allele origin: germline. Inheritance: Autosomal dominant inheritance.

Quest Diagnostics Nichols Institute San Juan Capistrano
Classification: Uncertain significance. Last evaluated: 2024-02-12. Review status: criteria provided, single submitter. Criteria: Quest Diagnostics criteria. Collection method: clinical testing. Allele origin: unknown.
Comment: The BRCA2 c.5191C>A (p.His1731Asn) variant has been reported in the published literature in individuals affected with ovarian cancer (PMID: 20406939 (2010)). In a large breast cancer association study, the variant was reported in individuals with breast cancer as well as in a reportedly healthy individual (PMID: 33471991 (2021)), and described to be located in a region of the BRCA2 gene that is tolerant to missense sequence changes (PMID: 31911673 (2020)). The frequency of this variant in the general population, 0.000045 (5/111278 chromosomes (Genome Aggregation Database)), is uninformative in the assessment of its pathogenicity. Analysis of this variant using bioinformatics tools for the prediction of the effect of amino acid changes on protein structure and function yielded predictions that this variant is benign. Based on the available information, we are unable to determine the clinical significance of this variant.

All of Us Research Program, National Institutes of Health
Classification: Likely benign for Breast-ovarian cancer, familial, susceptibility to, 2. Last evaluated: 2023-12-13. Review status: criteria provided, single submitter. Criteria: ACMG Guidelines, 2015. Collection method: clinical testing. Allele origin: germline. Inheritance: Autosomal dominant inheritance. Observed: 11 variant alleles, 11 heterozygotes.
Comment: This study involves interpretation of variants in research participants for the purpose of population health screening. Participant phenotype was not available at the time of variant classification. Additional details can be found in publication PMID: 35346344, PMCID: PMC8962531

CHEO Genetics Diagnostic Laboratory, Children's Hospital of Eastern Ontario
Classification: Uncertain significance for Breast and/or ovarian cancer. Last evaluated: 2023-05-01. Review status: criteria provided, single submitter. Criteria: ACMG Guidelines, 2015. Collection method: clinical testing. Allele origin: germline.

University of Washington Department of Laboratory Medicine, University of Washington
Classification: Likely benign for Hereditary cancer-predisposing syndrome. Last evaluated: 2023-03-23. Review status: criteria provided, single submitter. Criteria: Dines et al. (Genet Med. 2020). Collection method: curation. Allele origin: germline.
Comment: Missense variant in a coldspot region where missense variants are very unlikely to be pathogenic (PMID:31911673).

BRCA2 exon 11 coldspot. Reclassification based on statistical prior probability.

GeneDx
Classification: Likely benign. Last evaluated: 2019-03-11. Review status: criteria provided, single submitter. Criteria: GeneDx Variant Classification Process June 2021. Collection method: clinical testing. Allele origin: germline. Affected: yes.
Comment: This variant is associated with the following publications: (PMID: 20406939)

Ambry Genetics
Classification: Likely benign for Hereditary cancer-predisposing syndrome. Last evaluated: 2018-09-11. Review status: criteria provided, single submitter. Criteria: Ambry Variant Classification Scheme 2023. Collection method: clinical testing. Allele origin: germline.

Color Diagnostics, LLC DBA Color Health
Classification: Likely benign for Hereditary cancer-predisposing syndrome. Last evaluated: 2017-07-26. Review status: criteria provided, single submitter. Criteria: ACMG Guidelines, 2015. Collection method: clinical testing. Allele origin: germline.

Counsyl
Classification: Uncertain significance for Breast-ovarian cancer, familial, susceptibility to, 2. Last evaluated: 2017-02-16. Review status: no assertion criteria provided. Collection method: clinical testing. Allele origin: unknown. Not counted in ClinVar's aggregate classification.

Sharing Clinical Reports Project (SCRP)
Classification: Likely benign for Breast-ovarian cancer, familial 2. Last evaluated: 2012-06-06. Review status: no assertion criteria provided. Collection method: clinical testing. Allele origin: germline. Not counted in ClinVar's aggregate classification.

Breast Cancer Information Core (BIC) (BRCA2)
Classification: Uncertain significance for Breast-ovarian cancer, familial 2. Last evaluated: 2007-01-18. Review status: no assertion criteria provided. Collection method: clinical testing. Allele origin: germline. Affected: yes. Observed: 1 variant allele. Not counted in ClinVar's aggregate classification.

Literature cited by the submitters: PubMed 20406939 (cited by 3 submitters); PubMed 33471991 (cited by Women's Health and Genetics/Laboratory Corporation of America, LabCorp and Quest Diagnostics Nichols Institute San Juan Capistrano); PubMed 31911673 (cited by Quest Diagnostics Nichols Institute San Juan Capistrano).

NM_000059.4(BRCA2):c.5191C>A (p.His1731Asn)

Gene: BRCA2 (BRCA2 DNA repair associated; plus strand). Cytogenetic location: 13q13.1.
Variant type: single nucleotide variant.
Coding change: c.5191C>A on transcript NM_000059.4 (MANE Select); coding-DNA position 5191, C replaced by A.
Protein change: p.His1731Asn; replaces histidine 1731 with asparagine.
Molecular consequence: missense variant.
Genome position (GRCh38, 1-based): chr13:32,339,546, C>A. VCF-style: chr13-32339546-C-A. GRCh37 (hg19) VCF-style: chr13-32913683-C-A.
Other names: p.H1731N:CAT>AAT; 5419C>A; short protein forms H1731N.
Identifiers: ClinVar variation 51811 (VCV000051811.32), dbSNP rs80358745, ClinGen allele CA021640.
Genomic context (GRCh38, chr13:32,339,546, plus strand): 5'-GTAGGAAATTATTTGTATGAAAATAATTCAAACAGTACTATAGCTGAAAATGACAAAAAT[C>A]ATCTCTCCGAAAAACAAGATACTTATTTAAGTAACAGTAGCATGTCTAACAGCTATTCCT-3'
Protein context (NP_000050.3, residues 1721-1741): NSTIAENDKN[His1731Asn]LSEKQDTYLS